The following is an entry in ClinVar:

ClinVar aggregate classification (germline): Uncertain significance. Review status: criteria provided, multiple submitters, no conflicts (2 of 4 stars). 3 submissions from 3 submitters: Uncertain significance (3). Last evaluated 2022-05-12.

Conditions:
Autosomal recessive ataxia, Beauce type. Also called: Spinocerebellar ataxia, autosomal recessive 8; ATAXIA, RECESSIVE, OF BEAUCE; SYNE1 Deficiency; SYNE1-Related Autosomal Recessive Cerebellar Ataxia. Identifiers: Orphanet 88644, MedGen C1853116, MONDO:0012549, OMIM 610743.
Emery-Dreifuss muscular dystrophy 4, autosomal dominant (EDMD4). Also called: EMERY-DREIFUSS MUSCULAR DYSTROPHY 4 WITH VARIABLE FEATURES. Identifiers: Orphanet 261, MedGen C2751807, MONDO:0013071, OMIM 612998.

Allele frequency attached by ClinVar (database versions not stated): gnomAD below 0.00001 and 0.00001; ExAC 0.00003; gnomAD exomes 0.00003 and 0.00006.
gnomAD v4.1: 43 of 1,613,828 alleles (0.0027%); highest among the groups gnomAD compares: South Asian, 0.044%; 1 homozygote.

Submissions (3):

Labcorp Genetics (formerly Invitae), Labcorp
Classification: Uncertain significance for Emery-Dreifuss muscular dystrophy 4, autosomal dominant; Autosomal recessive ataxia, Beauce type. Last evaluated: 2022-05-12. Review status: criteria provided, single submitter. Criteria: Invitae Variant Classification Sherloc (09022015). Collection method: clinical testing. Allele origin: germline.
Comment: This sequence change replaces leucine, which is neutral and non-polar, with phenylalanine, which is neutral and non-polar, at codon 7075 of the SYNE1 protein (p.Leu7075Phe). This variant is present in population databases (rs776459203, gnomAD 0.04%). This variant has not been reported in the literature in individuals affected with SYNE1-related conditions. ClinVar contains an entry for this variant (Variation ID: 290233). Algorithms developed to predict the effect of missense changes on protein structure and function are either unavailable or do not agree on the potential impact of this missense change (SIFT: "Deleterious"; PolyPhen-2: "Probably Damaging"; Align-GVGD: "Class C15"). In summary, the available evidence is currently insufficient to determine the role of this variant in disease. Therefore, it has been classified as a Variant of Uncertain Significance.

Revvity Omics, Revvity
Classification: Uncertain significance. Last evaluated: 2022-03-09. Review status: criteria provided, single submitter. Criteria: ACMG Guidelines, 2015. Collection method: clinical testing. Allele origin: germline.

Eurofins Ntd Llc (ga)
Classification: Uncertain significance. Last evaluated: 2016-08-08. Review status: criteria provided, single submitter. Criteria: EGL Classification Definitions 2015. Collection method: clinical testing. Allele origin: germline. Observed: 1 variant allele, 1 heterozygote.

NM_182961.4(SYNE1):c.21436C>T (p.Leu7146Phe)

Gene: SYNE1 (spectrin repeat containing nuclear envelope protein 1; minus strand). Cytogenetic location: 6q25.2.
Variant type: single nucleotide variant.
Coding change: c.21436C>T on transcript NM_182961.4 (MANE Select); coding-DNA position 21436, C replaced by T.
Protein change: p.Leu7146Phe; replaces leucine 7146 with phenylalanine.
Molecular consequence: missense variant.
Genome position (GRCh38, 1-based): chr6:152,224,580, G>A on the plus strand (C>T on the coding strand, the complement: SYNE1 is on the minus strand). VCF-style: chr6-152224580-G-A. GRCh37 (hg19) VCF-style: chr6-152545715-G-A.
Other names: c.21223C>T (NM_033071.3); c.21223C>T, p.Leu7075Phe (NM_033071.5); short protein forms L7075F, L7146F.
Identifiers: ClinVar variation 290233 (VCV000290233.9), dbSNP rs776459203, ClinGen allele CA4054162.